The following is an entry in ClinVar:

ClinVar aggregate classification (germline): Uncertain significance. Review status: criteria provided, multiple submitters, no conflicts (2 of 4 stars). 2 submissions from 2 submitters: Uncertain significance (2). Last evaluated 2025-07-09.

Conditions:
Inborn genetic diseases. Identifiers: MedGen C0950123, MeSH D030342.

Allele frequency attached by ClinVar (database versions not stated): gnomAD 0.00001; ExAC 0.00002; TOPMed 0.00002.
gnomAD v4.1: 14 of 1,611,748 alleles (0.00087%); highest among the groups gnomAD compares: Middle Eastern, 0.019%; no homozygotes.

Submissions (2):

Labcorp Genetics (formerly Invitae), Labcorp
Classification: Uncertain significance. Last evaluated: 2025-07-09. Review status: criteria provided, single submitter. Criteria: Invitae Variant Classification Sherloc (09022015). Collection method: clinical testing. Allele origin: germline.
Comment: This sequence change replaces glycine, which is neutral and non-polar, with arginine, which is basic and polar, at codon 677 of the TCIRG1 protein (p.Gly677Arg). This variant is present in population databases (rs748654590, gnomAD 0.02%). This variant has not been reported in the literature in individuals affected with TCIRG1-related conditions. ClinVar contains an entry for this variant (Variation ID: 2214852). An algorithm developed to predict the effect of missense changes on protein structure and function outputs the following: PolyPhen-2: "Benign". The arginine amino acid residue is found in multiple mammalian species, which suggests that this missense change does not adversely affect protein function. In summary, the available evidence is currently insufficient to determine the role of this variant in disease. Therefore, it has been classified as a Variant of Uncertain Significance.

Ambry Genetics
Classification: Uncertain significance for Inborn genetic diseases. Last evaluated: 2022-08-08. Review status: criteria provided, single submitter. Criteria: Ambry Variant Classification Scheme 2023. Collection method: clinical testing. Allele origin: germline.

NM_006019.4(TCIRG1):c.2029G>A (p.Gly677Arg)

Gene: TCIRG1 (T cell immune regulator 1, ATPase H+ transporting V0 subunit a3; plus strand). Cytogenetic location: 11q13.2.
Variant type: single nucleotide variant.
Coding change: c.2029G>A on transcript NM_006019.4 (MANE Select); coding-DNA position 2029, G replaced by A.
Protein change: p.Gly677Arg; replaces glycine 677 with arginine.
Molecular consequence: missense variant.
Genome position (GRCh38, 1-based): chr11:68,049,977, G>A. VCF-style: chr11-68049977-G-A. GRCh37 (hg19) VCF-style: chr11-67817444-G-A.
Other names: c.1135G>A, p.Gly379Arg (NM_001351059.2); c.1381G>A, p.Gly461Arg (NM_006053.4); short protein forms G461R, G677R, G379R.
Identifiers: ClinVar variation 2214852 (VCV002214852.3), dbSNP rs748654590, ClinGen allele CA6147370.